The following is an entry in ClinVar:

NM_177438.3(DICER1):c.3194dup (p.Leu1065fs)

Gene: DICER1 (dicer 1, ribonuclease III; minus strand). Cytogenetic location: 14q32.13.
Variant type: Duplication.
Coding change: c.3194dup on transcript NM_177438.3 (MANE Select); coding-DNA position 3194, one base duplicated (T; older notation c.3194dupT).
Protein change: p.Leu1065fs; shifts the reading frame from leucine 1065.
Molecular consequence: frameshift variant. On other transcripts: non-coding transcript variant (6).
Genome position (GRCh38, 1-based): chr14:95,105,146, A duplicated on the plus strand (T on the coding strand, the reverse complement: DICER1 is on the minus strand); the first of 4 consecutive A bases (chr14:95,105,146-95,105,149); duplicating any one gives the same sequence. VCF-style (leftmost placement, unchanged base first): chr14-95105145-C-CA. GRCh37 (hg19) VCF-style: chr14-95571482-C-CA.
Other names: c.3194dup, p.Leu1065fs (NM_001195573.1, NM_001271282.3, NM_001291628.2 and 12 more transcripts); c.3191dup, p.Leu1065Phefs (NM_001395681.1); c.2912dup, p.Leu971fs (NM_001395686.1); c.2789dup, p.Leu930fs (NM_001395687.1, NM_001395688.1, NM_001395689.1 and 2 more transcripts); c.2627dup, p.Leu876fs (NM_001395691.1); c.1511dup, p.Leu504fs (NM_001395697.1); short protein forms L1065fs, L504fs, L876fs, L930fs, L971fs.
Identifiers: ClinVar variation 3062154 (VCV003062154.1), dbSNP rs2139986793, ClinGen allele CA2740097198.
Genomic context (GRCh38, chr14:95,105,145, plus strand): 5'-AAGTGATCTGACTCCCACGCCAGCATCGCTGGCAGTCTGGGCTCTTAGCTCCTCTGCAGT[C>CA]AAAAGGCAGTGAAGGCGATAAAGTATGCTGGGGAGACAAACAGCTTTTCTCCACAGTGAT-3'

ClinVar aggregate classification (germline): Pathogenic (1 of 4 stars; one submission).

Submission:

Institute of Human Genetics, FAU Erlangen, Friedrich-Alexander-Universität Erlangen-Nürnberg
Classification: Pathogenic. Last evaluated: 2024-03-20. Review status: criteria provided, single submitter. Criteria: Hauer et al. (Genet Med. 2018). Collection method: clinical testing. Allele origin: germline. Inheritance: Unknown mechanism. Affected: yes. Observed: 1 variant allele.
Comment: This variant has been identified by standard clinical testing. pleuropulmonales Blastom Selected ACMG criteria: Pathogenic (I):PP4;PM2;PVS1